The following is an entry in ClinVar:

NM_001379286.1(ZNF423):c.758A>G (p.Lys253Arg)

Gene: ZNF423 (zinc finger protein 423; minus strand). Cytogenetic location: 16q12.1.
Variant type: single nucleotide variant.
Coding change: c.758A>G on transcript NM_001379286.1 (MANE Select); coding-DNA position 758, A replaced by G.
Protein change: p.Lys253Arg; replaces lysine 253 with arginine.
Molecular consequence: missense variant.
Genome position (GRCh38, 1-based): chr16:49,638,418, T>C on the plus strand (A>G on the coding strand, the complement: ZNF423 is on the minus strand). VCF-style: chr16-49638418-T-C. GRCh37 (hg19) VCF-style: chr16-49672329-T-C.
Other names: c.554A>G, p.Lys185Arg (NM_001271620.2); c.383A>G, p.Lys128Arg (NM_001330533.2); c.734A>G, p.Lys245Arg (NM_015069.5); short protein forms K253R, K185R, K245R, K128R.
Identifiers: ClinVar variation 4993062 (VCV004993062.1).
Genomic context (GRCh38, chr16:49,638,418, plus strand): 5'-CACATGAAGTCGTCCTTCTTGGCTTCCTTCTCCGACTTGGCCAGATGCTCCTTGTTCTTT[T>C]TGTGGGCCTGCATGTGGCTCTGCAGCGAGCTGGTGGAGGAGAAGCCGCGCTTGCACACAG-3'
Protein context (NP_001366215.1, residues 243-263): SSLQSHMQAH[Lys253Arg]KNKEHLAKSE

ClinVar aggregate classification (germline): Uncertain significance (1 of 4 stars; one submission).

Conditions:
ZNF423-related disorder. Also called: ZNF423-related condition.

gnomAD v4.1: 5 of 1,613,830 alleles (0.00031%); highest among the groups gnomAD compares: South Asian, 0.0011%; no homozygotes.

Submission:

PreventionGenetics, part of Exact Sciences
Classification: Uncertain significance for ZNF423-related condition. Last evaluated: 2026-09-15. Review status: criteria provided, single submitter. Criteria: ACMG Guidelines, 2015. Collection method: clinical testing. Allele origin: germline.
Comment: The ZNF423 c.734A>G variant is predicted to result in the amino acid substitution p.Lys245Arg. To our knowledge, this variant has not been reported in the literature. This variant is reported in 0.0033% of alleles in individuals of South Asian descent in gnomAD. At this time, the clinical significance of this variant is uncertain due to the absence of conclusive functional and genetic evidence.